The following is an entry in ClinVar:

ClinVar aggregate classification (germline): Uncertain significance. Review status: criteria provided, multiple submitters, no conflicts (2 of 4 stars). 3 submissions from 3 submitters: Uncertain significance (3). Last evaluated 2024-05-16.

Conditions:
Inborn genetic diseases. Identifiers: MedGen C0950123, MeSH D030342.

Allele frequency attached by ClinVar (database versions not stated): ExAC 0.00001; gnomAD exomes 0.00001 and 0.00002; TOPMed 0.00006; gnomAD 0.00007.
gnomAD v4.1: 44 of 1,613,976 alleles (0.0027%); highest among the groups gnomAD compares: African/African-American, 0.041%; no homozygotes.

Submissions (3):

Ambry Genetics
Classification: Uncertain significance for Inborn genetic diseases. Last evaluated: 2024-05-16. Review status: criteria provided, single submitter. Criteria: Ambry Variant Classification Scheme 2023. Collection method: clinical testing. Allele origin: germline.

Labcorp Genetics (formerly Invitae), Labcorp
Classification: Uncertain significance. Last evaluated: 2021-11-09. Review status: criteria provided, single submitter. Criteria: Invitae Variant Classification Sherloc (09022015). Collection method: clinical testing. Allele origin: germline.
Comment: This variant is present in population databases (rs112628295, gnomAD 0.01%). This sequence change replaces histidine, which is basic and polar, with arginine, which is basic and polar, at codon 333 of the GALM protein (p.His333Arg). This variant has not been reported in the literature in individuals affected with GALM-related conditions. Algorithms developed to predict the effect of missense changes on protein structure and function (SIFT, PolyPhen-2, Align-GVGD) all suggest that this variant is likely to be tolerated. In summary, the available evidence is currently insufficient to determine the role of this variant in disease. Therefore, it has been classified as a Variant of Uncertain Significance.

Breakthrough Genomics
Classification: Uncertain significance. Review status: criteria provided, single submitter. Criteria: ACMG Guidelines, 2015. Collection method: not provided. Allele origin: germline. Inheritance: Autosomal recessive inheritance. Affected: yes.

NM_138801.3(GALM):c.998A>G (p.His333Arg)

Gene: GALM (galactose mutarotase; plus strand). Cytogenetic location: 2p22.1.
Variant type: single nucleotide variant.
Coding change: c.998A>G on transcript NM_138801.3 (MANE Select); coding-DNA position 998, A replaced by G.
Protein change: p.His333Arg; replaces histidine 333 with arginine.
Molecular consequence: missense variant.
Genome position (GRCh38, 1-based): chr2:38,733,534, A>G. VCF-style: chr2-38733534-A-G. GRCh37 (hg19) VCF-style: chr2-38960676-A-G.
Other names: c.998A>G (NM_138801.2); short protein forms H333R.
Identifiers: ClinVar variation 1397064 (VCV001397064.8), dbSNP rs112628295, ClinGen allele CA1621728.